The following is an entry in ClinVar:

NM_012210.4(TRIM32):c.699_700delinsCT (p.Gln234Ter)

Genes: ASTN2 (astrotactin 2; minus strand), TRIM32 (tripartite motif containing 32; plus strand). Cytogenetic location: 9q33.1.
Variant type: Indel.
Coding change: c.699_700delinsCT on transcript NM_012210.4 (MANE Select); coding-DNA positions 699 to 700, GC replaced by CT.
Protein change: p.Gln234Ter; replaces glutamine 234 with a stop codon.
Molecular consequence: nonsense. On other transcripts: intron variant (3).
Genome position (GRCh38, 1-based): chr9:116,698,441-116,698,442, GC replaced by CT. VCF-style: chr9-116698441-GC-CT. GRCh37 (hg19) VCF-style: chr9-119460720-GC-CT.
Other names: c.699_700delinsCT, p.Gln234Ter (NM_001099679.2, NM_001379048.1, NM_001379049.1 and 1 more transcripts); c.2653+27329_2653+27330delinsAG (NM_014010.5); c.2794+27329_2794+27330delinsAG (NM_001365069.1); c.2806+27329_2806+27330delinsAG (NM_001365068.1); short protein forms Q234*.
Identifiers: ClinVar variation 2739417 (VCV002739417.3), dbSNP rs2491061793, ClinGen allele CA2697557984.

ClinVar aggregate classification (germline): Pathogenic (1 of 4 stars; one submission).

Conditions:
Bardet-Biedl syndrome (BBS). Identifiers: Orphanet 110, MedGen C0752166, MONDO:0015229.

Submission:

Labcorp Genetics (formerly Invitae), Labcorp
Classification: Pathogenic for Bardet-Biedl syndrome. Last evaluated: 2025-12-11. Review status: criteria provided, single submitter. Criteria: Invitae Variant Classification Sherloc (09022015). Collection method: clinical testing. Allele origin: germline.
Comment: This sequence change creates a premature translational stop signal (p.Gln234*) in the TRIM32 gene. While this is not anticipated to result in nonsense mediated decay, it is expected to disrupt the last 420 amino acid(s) of the TRIM32 protein. Information on the frequency of this variant in the gnomAD database is not available, as this variant may be reported differently in the database. This variant has not been reported in the literature in individuals affected with TRIM32-related conditions. ClinVar contains an entry for this variant (Variation ID: 2739417). This variant disrupts a region of the TRIM32 protein in which other variant(s) (p.Val591Met) have been determined to be pathogenic (PMID: 30823891). This suggests that this is a clinically significant region of the protein, and that variants that disrupt it are likely to be disease-causing. For these reasons, this variant has been classified as Pathogenic.

Literature cited by the submitters: PubMed 30823891.